The following is an entry in ClinVar:

ClinVar aggregate classification (germline): Uncertain significance (1 of 4 stars; one submission).

Conditions:
Familial cold autoinflammatory syndrome 3 (FCAS3). Also called: FAMILIAL ATYPICAL COLD URTICARIA; ANTIBODY DEFICIENCY AND IMMUNE DYSREGULATION, PLCG2-ASSOCIATED. Identifiers: Orphanet 300359, MedGen C3280914, MONDO:0013766, OMIM 614468.

Submission:

Labcorp Genetics (formerly Invitae), Labcorp
Classification: Uncertain significance for Familial cold autoinflammatory syndrome 3. Last evaluated: 2025-03-18. Review status: criteria provided, single submitter. Criteria: Invitae Variant Classification Sherloc (09022015). Collection method: clinical testing. Allele origin: germline.
Comment: This sequence change replaces isoleucine, which is neutral and non-polar, with valine, which is neutral and non-polar, at codon 356 of the PLCG2 protein (p.Ile356Val). This variant is not present in population databases (gnomAD no frequency). This variant has not been reported in the literature in individuals affected with PLCG2-related conditions. ClinVar contains an entry for this variant (Variation ID: 1347142). An algorithm developed to predict the effect of missense changes on protein structure and function (PolyPhen-2) suggests that this variant is likely to be tolerated. In summary, the available evidence is currently insufficient to determine the role of this variant in disease. Therefore, it has been classified as a Variant of Uncertain Significance.

NM_002661.5(PLCG2):c.1066A>G (p.Ile356Val)

Gene: PLCG2 (phospholipase C gamma 2; plus strand). Cytogenetic location: 16q23.3.
Variant type: single nucleotide variant.
Coding change: c.1066A>G on transcript NM_002661.5 (MANE Select); coding-DNA position 1066, A replaced by G.
Protein change: p.Ile356Val; replaces isoleucine 356 with valine.
Molecular consequence: missense variant.
Genome position (GRCh38, 1-based): chr16:81,893,788, A>G. VCF-style: chr16-81893788-A-G. GRCh37 (hg19) VCF-style: chr16-81927393-A-G.
Other names: short protein forms I356V.
Identifiers: ClinVar variation 1347142 (VCV001347142.6), dbSNP rs1908751821, ClinGen allele CA396898767.